The following is an entry in ClinVar:

ClinVar aggregate classification (germline): Conflicting classifications of pathogenicity. Review status: criteria provided, conflicting classifications (1 of 4 stars). 18 submissions from 18 submitters: Uncertain significance (7); Likely benign (7). 4 of the submissions do not count toward it. Last evaluated 2026-07-01.

Conditions:
MYH11-related disorder. Also called: MYH11-related condition.
Visceral myopathy 2. Identifiers: MedGen C5543466, MONDO:0859157, OMIM 619350.
Megacystis-microcolon-intestinal hypoperistalsis syndrome 2. Identifiers: MedGen C5543476, MONDO:0025708, OMIM 619351.
Aortic aneurysm, familial thoracic 4 (AAT4). Also called: AORTIC ANEURYSM/AORTIC DISSECTION AND PATENT DUCTUS ARTERIOSUS. Identifiers: MedGen C1851504, MONDO:0007568, OMIM 132900.
Familial thoracic aortic aneurysm and aortic dissection (TAAD). Also called: Thoracic aortic aneurysms and dissections. Identifiers: Orphanet 91387, MedGen C4707243, MONDO:0019625.

Allele frequency attached by ClinVar (database versions not stated): ESP Exome Variant Server 0.00008; gnomAD exomes 0.00012; ExAC 0.00014; gnomAD 0.00032 and 0.00034; TOPMed 0.00045.
gnomAD v4.1: 217 of 1,614,074 alleles (0.013%); highest among the groups gnomAD compares: Admixed American, 0.068%; 2 homozygotes.

Submissions (18):

CeGaT Center for Human Genetics Tuebingen
Classification: Likely benign. Last evaluated: 2026-07-01. Review status: criteria provided, single submitter. Criteria: CeGaT Center For Human Genetics Tuebingen Variant Classification Criteria Version 2. Collection method: clinical testing. Allele origin: germline. Affected: yes. Observed: 1 variant allele.
Comment: MYH11: PP3, BS2

Labcorp Genetics (formerly Invitae), Labcorp
Classification: Likely benign for Aortic aneurysm, familial thoracic 4. Last evaluated: 2025-12-22. Review status: criteria provided, single submitter. Criteria: Invitae Variant Classification Sherloc (09022015). Collection method: clinical testing. Allele origin: germline.

PreventionGenetics, part of Exact Sciences
Classification: Uncertain significance for MYH11-related condition. Last evaluated: 2025-11-06. Review status: criteria provided, single submitter. Criteria: ACMG Guidelines, 2015. Collection method: clinical testing. Allele origin: germline.
Comment: The MYH11 c.472G>A variant is predicted to result in the amino acid substitution p.Ala158Thr. To our knowledge, this variant has not been reported in the literature. This variant is reported in 0.020% of alleles in individuals of Latino descent in gnomAD, including 1 homozygote. At this time, the clinical significance of this variant is uncertain due to the absence of conclusive functional and genetic evidence.

ARUP Laboratories, Molecular Genetics and Genomics, ARUP Laboratories
Classification: Uncertain significance. Last evaluated: 2025-07-21. Review status: criteria provided, single submitter. Criteria: ARUP Molecular Germline Variant Investigation Process 2024. Collection method: clinical testing. Allele origin: germline.
Comment: The MYH11 c.472G>A; p.Ala158Thr variant (rs375998236), to our knowledge, is not reported in the medical literature but is reported in ClinVar (Variation ID: 263862). This variant is found in the general population with an overall allele frequency of 0.012% (34/282866 alleles, including 1 homozygote) in the Genome Aggregation Database (v2.1.1). Computational analyses are uncertain whether this variant is neutral or deleterious (REVEL: 0.323). Due to limited information, the clinical significance of this variant is uncertain at this time.

Blueprint Genetics
Classification: Likely benign. Last evaluated: 2024-05-09. Review status: criteria provided, single submitter. Criteria: ACMG Guidelines, 2015. Collection method: clinical testing. Allele origin: germline.

Color Diagnostics, LLC DBA Color Health
Classification: Likely benign for Familial thoracic aortic aneurysm and aortic dissection. Last evaluated: 2024-04-22. Review status: criteria provided, single submitter. Criteria: ACMG Guidelines, 2015. Collection method: clinical testing. Allele origin: germline.

All of Us Research Program, National Institutes of Health
Classification: Uncertain significance for Familial thoracic aortic aneurysm and aortic dissection. Last evaluated: 2024-01-11. Review status: criteria provided, single submitter. Criteria: ACMG Guidelines, 2015. Collection method: clinical testing. Allele origin: germline. Inheritance: Autosomal dominant inheritance. Observed: 50 variant alleles, 50 heterozygotes.
Comment: This missense variant replaces alanine with threonine at codon 158 of the MYH11 protein. Computational prediction suggests that this variant may not impact protein structure and function (internally defined REVEL score threshold <= 0.5, PMID: 27666373). To our knowledge, functional studies have not been reported for this variant. This variant has not been reported in individuals affected with cardiovascular disorders in the literature. This variant has been identified in 34/282866 chromosomes in the general population by the Genome Aggregation Database (gnomAD). The available evidence is insufficient to determine the role of this variant in disease conclusively. Therefore, this variant is classified as a Variant of Uncertain Significance.

This study involves interpretation of variants in research participants for the purpose of population health screening. Participant phenotype was not available at the time of variant classification. Additional details can be found in publication PMID: 35346344, PMCID: PMC8962531

Ambry Genetics
Classification: Uncertain significance for Familial thoracic aortic aneurysm and aortic dissection. Last evaluated: 2023-10-26. Review status: criteria provided, single submitter. Criteria: Ambry Variant Classification Scheme 2023. Collection method: clinical testing. Allele origin: germline.
Comment: The p.A158T variant (also known as c.472G>A), located in coding exon 2 of the MYH11 gene, results from a G to A substitution at nucleotide position 472. The alanine at codon 158 is replaced by threonine, an amino acid with similar properties, and is located in the myosin head-like domain. This amino acid position is not well conserved in available vertebrate species, and threonine is the reference amino acid in other vertebrate species. In addition, the in silico prediction for this alteration is inconclusive. Since supporting evidence is limited at this time, the clinical significance of this alteration remains unclear.

Women's Health and Genetics/Laboratory Corporation of America, LabCorp
Classification: Likely benign. Last evaluated: 2022-08-22. Review status: criteria provided, single submitter. Criteria: LabCorp Variant Classification Summary - May 2015. Collection method: clinical testing. Allele origin: germline.
Comment: Variant summary: MYH11 c.472G>A (p.Ala158Thr) results in a non-conservative amino acid change located in the Myosin head, motor domain (IPR001609) of the encoded protein sequence. Three of five in-silico tools predict a damaging effect of the variant on protein function. The variant allele was found at a frequency of 0.00012 in 251458 control chromosomes in the gnomAD database, including one homozygote. The observed variant frequency is approximately ten fold of the estimated maximal expected allele frequency for a pathogenic variant in MYH11 causing Thoracic Aortic Aneurysms And Dissections phenotype (1.3e-05), strongly suggesting that the variant is benign. To our knowledge, no occurrence of c.472G>A in individuals affected with Thoracic Aortic Aneurysms And Dissections and no experimental evidence demonstrating its impact on protein function have been reported. Seven ClinVar submitters (evaluation after 2014) cite the variant as uncertain significance (n=6) and likely benign (n=1). Based on the evidence outlined above, the variant was classified as likely benign.

GeneDx
Classification: Likely benign. Last evaluated: 2021-04-22. Review status: criteria provided, single submitter. Criteria: GeneDx Variant Classification Process June 2021. Collection method: clinical testing. Allele origin: germline. Affected: yes.
Comment: This variant is associated with the following publications: (PMID: 30122538)

Mayo Clinic Laboratories, Mayo Clinic
Classification: Uncertain significance. Last evaluated: 2019-12-12. Review status: criteria provided, single submitter. Criteria: ACMG Guidelines, 2015. Collection method: clinical testing. Allele origin: germline. Observed: 1 variant allele.

CHEO Genetics Diagnostic Laboratory, Children's Hospital of Eastern Ontario
Classification: Uncertain significance for Familial thoracic aortic aneurysm and aortic dissection. Last evaluated: 2019-09-09. Review status: criteria provided, single submitter. Criteria: ACMG Guidelines, 2015. Collection method: clinical testing. Allele origin: germline.

Illumina Laboratory Services, Illumina
Classification: Uncertain significance for Aortic aneurysm, familial thoracic 4. Last evaluated: 2018-01-13. Review status: criteria provided, single submitter. Criteria: ICSL Variant Classification Criteria 13 December 2019. Collection method: clinical testing. Allele origin: germline.

Center for Genomics, Ann and Robert H. Lurie Children's Hospital of Chicago
Classification: Likely benign for Megacystis-microcolon-intestinal hypoperistalsis syndrome 2; Aortic aneurysm, familial thoracic 4; Visceral myopathy 2. Review status: criteria provided, single submitter. Criteria: ACMG Guidelines, 2015. Collection method: clinical testing. Allele origin: germline.
Comment: This variant has not been reported in the literature but is present in 0.2% (27/15278) of Latino alleles, including 1 homozygote, in the Genome Aggregation Database. Tis variant is present in ClinVar, with classifications ranging from Likely Benign to Variant of Uncertain Significance (Variation ID:263862). This variant amino acid Threonine (Thr) is present in several species including the wallaby, parrot, lizard, and multiple fish, and is not well conserved among evolutionarily distant species; this suggests that this variant may not impact the protein. Additional computational prediction tools do not suggest an impact. In summary, data on this variant suggests that this variant does not cause disease but requires further evidence. Therefore, this variant is classified as Likely Benign.

Clinical Genetics DNA and cytogenetics Diagnostics Lab, Erasmus MC, Erasmus Medical Center
Classification: Likely benign. Review status: no assertion criteria provided. Collection method: clinical testing. Allele origin: germline. Affected: yes. Study: VKGL Data-share Consensus. Not counted in ClinVar's aggregate classification.

Department of Pathology and Laboratory Medicine, Sinai Health System
Classification: Uncertain significance. Review status: no assertion criteria provided. Collection method: clinical testing. Allele origin: unknown. Affected: yes. Study: The Canadian Open Genetics Repository (COGR). Not counted in ClinVar's aggregate classification.
Comment: The MYH11 Â¬â€ p.A158T variant was not identified in the literature but was identified in dbSNP (ID: rs375998236) and ClinVar (classified as uncertain significance by Color, Ambry Genetics, Illumina and Invitae). The variant was identified in control databases in 34 of 282866 chromosomes (1 homozygous) at a frequency of 0.0001202 (Genome Aggregation Database March 6, 2019, v2.1.1). The p.A158 residue is conserved in mammals and computational analyses (MUT Assesor, PolyPhen-2, SIFT, MutationTaster, Revel, FATHMM, MetaLR, DANN) provide inconsistent predictions regarding the impact to the protein; this information is not very predictive of pathogenicity. The variant occurs outside of the splicing consensus sequence and in silico or computational prediction software programs (Splice AI exome) do not predict a difference in splicing. In summary, based on the above information the clinical significance of this variant cannot be determined with certainty at this time. This variant is classified as a variant of uncertain significance.

Genome Diagnostics Laboratory, University Medical Center Utrecht
Classification: Likely benign. Review status: no assertion criteria provided. Collection method: clinical testing. Allele origin: germline. Affected: yes. Study: VKGL Data-share Consensus. Not counted in ClinVar's aggregate classification.

Joint Genome Diagnostic Labs from Nijmegen and Maastricht, Radboudumc and MUMC+
Classification: Likely benign. Review status: no assertion criteria provided. Collection method: clinical testing. Allele origin: germline. Affected: yes. Study: VKGL Data-share Consensus. Not counted in ClinVar's aggregate classification.

NM_002474.3(MYH11):c.472G>A (p.Ala158Thr)

Gene: MYH11 (myosin heavy chain 11; minus strand). Cytogenetic location: 16p13.11.
Variant type: single nucleotide variant.
Coding change: c.472G>A on transcript NM_002474.3 (MANE Select); coding-DNA position 472, G replaced by A.
Protein change: p.Ala158Thr; replaces alanine 158 with threonine.
Molecular consequence: missense variant.
Genome position (GRCh38, 1-based): chr16:15,823,285, C>T on the plus strand (G>A on the coding strand, the complement: MYH11 is on the minus strand). VCF-style: chr16-15823285-C-T. GRCh37 (hg19) VCF-style: chr16-15917142-C-T.
Other names: c.472G>A, p.Ala158Thr (NM_001040113.2, NM_001040114.2, NM_022844.3); short protein forms A158T.
Identifiers: ClinVar variation 263862 (VCV000263862.42), dbSNP rs375998236, ClinGen allele CA7923040.
Genomic context (GRCh38, chr16:15,823,285, plus strand): 5'-CTGGCCCCGTGCAGCCCTGAGTTCACTCACCTTGAAGCATGCTCCGGTAGGCCGTGTCTG[C>T]GATGGCGTAGATGTGAGGCGGCATCTCGTGCCTCTTCTTGCCCTTGTACATGTCGACGAT-3'
Protein context (NP_002465.1, residues 148-168): HEMPPHIYAI[Ala158Thr]DTAYRSMLQD